The following is an entry in ClinVar:

NM_139343.3(BIN1):c.1111A>G (p.Ser371Gly)

Gene: BIN1 (bridging integrator 1; minus strand). Cytogenetic location: 2q14.3.
Variant type: single nucleotide variant.
Coding change: c.1111A>G on transcript NM_139343.3 (MANE Select); coding-DNA position 1111, A replaced by G.
Protein change: p.Ser371Gly; replaces serine 371 with glycine.
Molecular consequence: missense variant. On other transcripts: intron variant (9).
Genome position (GRCh38, 1-based): chr2:127,057,493, T>C on the plus strand (A>G on the coding strand, the complement: BIN1 is on the minus strand). VCF-style: chr2-127057493-T-C. GRCh37 (hg19) VCF-style: chr2-127815069-T-C.
Other names: c.1111A>G, p.Ser371Gly (NM_001320640.2); c.1018A>G, p.Ser340Gly (NM_001320641.2, NM_139347.3, NM_139348.3); c.1030A>G, p.Ser344Gly (NM_001320642.1); c.1063A>G, p.Ser355Gly (NM_139346.3); c.837+1518A>G (NM_001320634.1); c.909+1518A>G (NM_139351.3, NM_139350.3, NM_139349.3); c.954+1518A>G (NM_001320632.2, NM_004305.4); c.1002+1518A>G (NM_001320633.2, NM_139345.3, NM_139344.3); short protein forms S371G, S344G, S355G, S340G.
Identifiers: ClinVar variation 461700 (VCV000461700.9), dbSNP rs1553456782, ClinGen allele CA348378423.

ClinVar aggregate classification (germline): Uncertain significance (1 of 4 stars; one submission).

Conditions:
Myopathy, centronuclear, 2 (CNM2). Also called: MYOTUBULAR MYOPATHY, AUTOSOMAL RECESSIVE. Identifiers: Orphanet 169186, MedGen CN031787, MONDO:0009709, OMIM 255200.

Submission:

Labcorp Genetics (formerly Invitae), Labcorp
Classification: Uncertain significance for Myopathy, centronuclear, 2. Last evaluated: 2023-10-03. Review status: criteria provided, single submitter. Criteria: Invitae Variant Classification Sherloc (09022015). Collection method: clinical testing. Allele origin: germline.
Comment: This sequence change replaces serine, which is neutral and polar, with glycine, which is neutral and non-polar, at codon 371 of the BIN1 protein (p.Ser371Gly). This variant is not present in population databases (gnomAD no frequency). This variant has not been reported in the literature in individuals affected with BIN1-related conditions. ClinVar contains an entry for this variant (Variation ID: 461700). An algorithm developed to predict the effect of missense changes on protein structure and function (PolyPhen-2) suggests that this variant is likely to be disruptive. In summary, the available evidence is currently insufficient to determine the role of this variant in disease. Therefore, it has been classified as a Variant of Uncertain Significance.